The following is an entry in ClinVar:

ClinVar aggregate classification (germline): Uncertain significance (1 of 4 stars; one submission).

Conditions:
Aortic aneurysm, familial thoracic 7 (AAT7). Also called: AORTIC DISSECTION, FAMILIAL, WITH OR WITHOUT AORTIC ANEURYSM. Identifiers: MedGen C3151077, MONDO:0013418, OMIM 613780.

Submission:

Labcorp Genetics (formerly Invitae), Labcorp
Classification: Uncertain significance for Aortic aneurysm, familial thoracic 7. Last evaluated: 2023-12-10. Review status: criteria provided, single submitter. Criteria: Invitae Variant Classification Sherloc (09022015). Collection method: clinical testing. Allele origin: germline.
Comment: This sequence change replaces leucine, which is neutral and non-polar, with arginine, which is basic and polar, at codon 1897 of the MYLK protein (p.Leu1897Arg). This variant is present in population databases (no rsID available, gnomAD 0.0009%). This variant has not been reported in the literature in individuals affected with MYLK-related conditions. Advanced modeling of protein sequence and biophysical properties (such as structural, functional, and spatial information, amino acid conservation, physicochemical variation, residue mobility, and thermodynamic stability) performed at Invitae indicates that this missense variant is not expected to disrupt MYLK protein function with a negative predictive value of 80%. In summary, the available evidence is currently insufficient to determine the role of this variant in disease. Therefore, it has been classified as a Variant of Uncertain Significance.

NM_053025.4(MYLK):c.5690T>G (p.Leu1897Arg)

Genes: MYLK-AS1 (MYLK antisense RNA 1; plus strand), MYLK (myosin light chain kinase; minus strand). Cytogenetic location: 3q21.1.
Variant type: single nucleotide variant.
Coding change: c.5690T>G on transcript NM_053025.4 (MANE Select); coding-DNA position 5690, T replaced by G.
Protein change: p.Leu1897Arg; replaces leucine 1897 with arginine.
Molecular consequence: missense variant.
Genome position (GRCh38, 1-based): chr3:123,614,160, A>C on the plus strand (T>G on the coding strand, the complement: MYLK is on the minus strand). VCF-style: chr3-123614160-A-C. GRCh37 (hg19) VCF-style: chr3-123333007-A-C.
Other names: c.5162T>G, p.Leu1721Arg (NM_001321309.2); c.5483T>G, p.Leu1828Arg (NM_053026.4); c.5537T>G, p.Leu1846Arg (NM_053027.4); c.5330T>G, p.Leu1777Arg (NM_053028.4); c.407T>G, p.Leu136Arg (NM_053031.4); c.410T>G, p.Leu137Arg (NM_053032.4); short protein forms L136R, L1897R, L1828R, L1721R, L1777R, L1846R, L137R.
Identifiers: ClinVar variation 2701984 (VCV002701984.3), dbSNP rs1065022, ClinGen allele CA354228509.